The following is an entry in ClinVar:

ClinVar aggregate classification (germline): Uncertain significance (1 of 4 stars; one submission).

Submission:

Ambry Genetics
Classification: Uncertain significance. Last evaluated: 2024-11-17. Review status: criteria provided, single submitter. Criteria: Ambry Variant Classification Scheme 2023. Collection method: clinical testing. Allele origin: germline.
Comment: The p.K1334E variant (also known as c.4000A>G), located in coding exon 36 of the KIF1B gene, results from an A to G substitution at nucleotide position 4000. The lysine at codon 1334 is replaced by glutamic acid, an amino acid with similar properties. This amino acid position is conserved. In addition, this alteration is predicted to be deleterious by in silico analysis. Based on the available evidence, the clinical significance of this variant remains unclear.

NM_001365951.3(KIF1B):c.4138A>G (p.Lys1380Glu)

Gene: KIF1B (kinesin family member 1B; plus strand). Cytogenetic location: 1p36.22.
Variant type: single nucleotide variant.
Coding change: c.4138A>G on transcript NM_001365951.3 (MANE Select); coding-DNA position 4138, A replaced by G.
Protein change: p.Lys1380Glu; replaces lysine 1380 with glutamic acid.
Molecular consequence: missense variant.
Genome position (GRCh38, 1-based): chr1:10,361,011, A>G. VCF-style: chr1-10361011-A-G. GRCh37 (hg19) VCF-style: chr1-10421069-A-G.
Other names: c.4138A>G, p.Lys1380Glu (NM_001365952.1); c.4000A>G, p.Lys1334Glu (NM_015074.3); short protein forms K1334E, K1380E.
Identifiers: ClinVar variation 3534088 (VCV003534088.1).